The following is an entry in ClinVar:

ClinVar aggregate classification (germline): Uncertain significance (1 of 4 stars; one submission).

Conditions:
Mitochondrial complex II deficiency, nuclear type 1. Also called: SUCCINATE CoQ REDUCTASE DEFICIENCY. Identifiers: Orphanet 3208, MedGen C5700310, MONDO:0100294, OMIM 252011.
Pheochromocytoma/paraganglioma syndrome 5. Also called: Paragangliomas 5; SDHA-Related Hereditary Paraganglioma-Pheochromocytoma Syndrome. Identifiers: Orphanet 29072, MedGen C3279992, MONDO:0013602, OMIM 614165.

Submission:

Labcorp Genetics (formerly Invitae), Labcorp
Classification: Uncertain significance for Pheochromocytoma/paraganglioma syndrome 5; Mitochondrial complex II deficiency, nuclear type 1. Last evaluated: 2022-12-26. Review status: criteria provided, single submitter. Criteria: Invitae Variant Classification Sherloc (09022015). Collection method: clinical testing. Allele origin: germline.
Comment: Advanced modeling of protein sequence and biophysical properties (such as structural, functional, and spatial information, amino acid conservation, physicochemical variation, residue mobility, and thermodynamic stability) performed at Invitae indicates that this missense variant is not expected to disrupt SDHA protein function. ClinVar contains an entry for this variant (Variation ID: 1435299). This variant has not been reported in the literature in individuals affected with SDHA-related conditions. This variant is not present in population databases (gnomAD no frequency). This sequence change replaces aspartic acid, which is acidic and polar, with tyrosine, which is neutral and polar, at codon 545 of the SDHA protein (p.Asp545Tyr). In summary, the available evidence is currently insufficient to determine the role of this variant in disease. Therefore, it has been classified as a Variant of Uncertain Significance.

NM_004168.4(SDHA):c.1633G>T (p.Asp545Tyr)

Gene: SDHA (succinate dehydrogenase complex flavoprotein subunit A; plus strand). Cytogenetic location: 5p15.33.
Variant type: single nucleotide variant.
Coding change: c.1633G>T on transcript NM_004168.4 (MANE Select); coding-DNA position 1633, G replaced by T.
Protein change: p.Asp545Tyr; replaces aspartic acid 545 with tyrosine.
Molecular consequence: missense variant. On other transcripts: intron variant (1).
Genome position (GRCh38, 1-based): chr5:251,073, G>T. VCF-style: chr5-251073-G-T. GRCh37 (hg19) VCF-style: chr5-251188-G-T.
Other names: c.1489G>T, p.Asp497Tyr (NM_001294332.2); c.1552-3320G>T (NM_001330758.2); short protein forms D545Y, D497Y.
Identifiers: ClinVar variation 1435299 (VCV001435299.8), dbSNP rs1736792773, ClinGen allele CA358998736.
Genomic context (GRCh38, chr5:251,073, plus strand): 5'-GTGTTCCGTGTGGGAAGCGTGTTGCAAGAAGGTTGTGGGAAAATCAGCAAGCTCTATGGA[G>T]ACCTAAAGCACCTGAAGACGTTCGACCGGGGTGAGCAGACAGTGGGCTCTGTGCACACTG-3'
Protein context (NP_004159.2, residues 535-555): GCGKISKLYG[Asp545Tyr]LKHLKTFDRG